The following is an entry in ClinVar:

NM_005026.5(PIK3CD):c.2348-30C>T

Gene: PIK3CD (phosphatidylinositol-4,5-bisphosphate 3-kinase catalytic subunit delta; plus strand). Cytogenetic location: 1p36.22.
Variant type: single nucleotide variant.
Coding change: c.2348-30C>T on transcript NM_005026.5 (MANE Select); 30 bases into the intron before coding-DNA position 2348, C replaced by T.
Molecular consequence: intron variant.
Genome position (GRCh38, 1-based): chr1:9,722,498, C>T. VCF-style: chr1-9722498-C-T. GRCh37 (hg19) VCF-style: chr1-9782556-C-T.
Other names: c.2345-30C>T (NM_001350234.2); c.2261-30C>T (NM_001350235.1).
Identifiers: ClinVar variation 1227097 (VCV001227097.8), dbSNP rs11589267, ClinGen allele CA577516.

ClinVar aggregate classification (germline): Benign. Review status: criteria provided, multiple submitters, no conflicts (2 of 4 stars). 6 submissions from 4 submitters: Benign (6). Last evaluated 2023-11-12.

Conditions:
Immunodeficiency 14 (IMD14A). Also called: IMMUNODEFICIENCY 14A WITH LYMPHOPROLIFERATION, AUTOSOMAL DOMINANT; p110-DELTA-ACTIVATING MUTATION CAUSING SENESCENT T CELLS, LYMPHADENOPATHY, AND IMMUNODEFICIENCY; ACTIVATED PI3K-DELTA SYNDROME 1; Activated PI3K Delta Syndrome Type 1 (APDS1). Identifiers: Orphanet 397596, Orphanet 693661, MedGen C5907821, MONDO:0014222, OMIM 615513.
Immunodeficiency 14b, autosomal recessive. Identifiers: MedGen C5543301, MONDO:0023655, OMIM 619281.
Combined immunodeficiency with faciooculoskeletal anomalies. Also called: Roifman-Chitayat syndrome, digenic; Roifman-Chitayat syndrome; COMBINED IMMUNODEFICIENCY, FACIAL DYSMORPHISM, OPTIC NERVE ATROPHY, SKELETAL ANOMALIES, AND DEVELOPMENTAL DELAY. Identifiers: Orphanet 221139, MedGen C2750068, MONDO:0013226, OMIM 613328.

Allele frequency attached by ClinVar (database versions not stated): gnomAD 0.33011 and 0.32132; ExAC 0.33415; 1000 Genomes Project 0.16554; 1000 Genomes Project 30x 0.16943; TOPMed 0.30486; gnomAD exomes 0.33584 and 0.42152; ESP Exome Variant Server 0.34192.
gnomAD v4.1: 655,618 of 1,596,278 alleles (41%); highest among the groups gnomAD compares: Non-Finnish European, 47%; 148,680 homozygotes.

Submissions (6):

Unidad de Genómica Garrahan, Hospital de Pediatría Garrahan
Classification: Benign. Last evaluated: 2023-11-12. Review status: criteria provided, single submitter. Criteria: ACMG Guidelines, 2015. Collection method: clinical testing. Allele origin: germline. Affected: no. Observed: 52 variant alleles.
Comment: This variant is classified as Benign based on local population frequency. This variant was detected in 54% of patients studied by a panel of primary immunodeficiencies. Number of patients: 52. Only high quality variants are reported.

Genome-Nilou Lab
Classification: Benign for Immunodeficiency 14. Last evaluated: 2021-09-05. Review status: criteria provided, single submitter. Criteria: ACMG Guidelines, 2015. Collection method: clinical testing. Allele origin: germline. Affected: no.

Genome-Nilou Lab
Classification: Benign for Combined immunodeficiency with faciooculoskeletal anomalies. Last evaluated: 2021-09-05. Review status: criteria provided, single submitter. Criteria: ACMG Guidelines, 2015. Collection method: clinical testing. Allele origin: germline. Affected: no.

Genome-Nilou Lab
Classification: Benign for Immunodeficiency 14b, autosomal recessive. Last evaluated: 2021-09-05. Review status: criteria provided, single submitter. Criteria: ACMG Guidelines, 2015. Collection method: clinical testing. Allele origin: germline. Affected: no.

GeneDx
Classification: Benign. Last evaluated: 2018-11-12. Review status: criteria provided, single submitter. Criteria: GeneDx Variant Classification Process June 2021. Collection method: clinical testing. Allele origin: germline. Affected: yes.

Breakthrough Genomics
Classification: Benign. Review status: criteria provided, single submitter. Criteria: ACMG Guidelines, 2015. Collection method: not provided. Allele origin: germline. Inheritance: Autosomal recessive inheritance. Affected: yes.